The following is an entry in ClinVar:

ClinVar aggregate classification (germline): Conflicting classifications of pathogenicity. Review status: criteria provided, conflicting classifications (1 of 4 stars). 13 submissions from 11 submitters: Uncertain significance (10); Likely benign (3). Last evaluated 2026-10-16.

Conditions:
Arrhythmogenic right ventricular dysplasia 2. Identifiers: MedGen C1832931.
Ventricular arrhythmias due to cardiac ryanodine receptor calcium release deficiency syndrome. Also called: Autosomal dominant cardiac arrhythmia (Kuhn). Identifiers: MedGen C5542154, MONDO:0020745, OMIM 115000.
Catecholaminergic polymorphic ventricular tachycardia 1. Also called: RYR2-Related Catecholaminergic Polymorphic Ventricular Tachycardia; VENTRICULAR TACHYCARDIA, STRESS-INDUCED POLYMORPHIC 1; VENTRICULAR TACHYCARDIA, CATECHOLAMINERGIC POLYMORPHIC, 1, WITH OR WITHOUT ATRIAL DYSFUNCTION AND/OR DILATED CARDIOMYOPATHY. Identifiers: Orphanet 3286, MedGen C1631597, MONDO:0011484, OMIM 604772.
Cardiovascular phenotype. Identifiers: MedGen CN230736.
Cardiomyopathy (CMYO). Also called: Cardiomyopathies. Identifiers: Orphanet 167848, MedGen C0878544, MONDO:0004994, HP:0001638. Inheritance: Various modes of inheritance.

Allele frequency attached by ClinVar (database versions not stated): TOPMed 0.00014; gnomAD 0.00020 and 0.00017; gnomAD exomes 0.00014; ESP Exome Variant Server 0.00016; ExAC 0.00017.
gnomAD v4.1: 353 of 1,613,520 alleles (0.022%); highest among the groups gnomAD compares: Middle Eastern, 0.033%; no homozygotes.

Submissions (13):

GeneDx
Classification: Uncertain significance. Last evaluated: 2026-10-16. Review status: criteria provided, single submitter. Criteria: GeneDx Variant Classification Process June 2021. Collection method: clinical testing. Allele origin: germline.
Comment: Identified in a cohort of stillbirths without chromosomal abnormalities (PMID: 30615648); In silico analysis supports that this missense variant has a deleterious effect on protein structure/function; Not located in one of the three hot-spot regions of the RYR2 gene, where the majority of pathogenic missense variants occur (PMID: 19926015); This variant is associated with the following publications: (PMID: 19926015, 28404607, 30847666, 25041964, 30122538, 33789662, 32152366, 30615648)

Women's Health and Genetics/Laboratory Corporation of America, LabCorp
Classification: Likely benign. Last evaluated: 2025-11-12. Review status: criteria provided, single submitter. Criteria: LabCorp Variant Classification Summary - May 2015. Collection method: clinical testing. Allele origin: germline.
Comment: Variant summary: RYR2 c.1939C>T (p.Arg647Cys) results in a non-conservative amino acid change in the encoded protein sequence. Algorithms developed to predict the effect of missense changes on protein structure and function all suggest that this variant is likely to be disruptive. The variant allele was found at a frequency of 0.00014 in 248508 control chromosomes. The observed variant frequency exceeds the estimated maximal expected allele frequency for disease-causing variants in RYR2. c.1939C>T has been observed in individual(s) affected with ARVC/D and CPVT, without strong evidence for causality (Roux-Buisson_2014, Landstrom_2017, van Lint_2019, Olubando_2020). These report(s) do not provide unequivocal conclusions about association of the variant with Catecholaminergic Polymorphic Ventricular Tachycardia. To our knowledge, no experimental evidence demonstrating an impact on protein function has been reported. The following publications have been ascertained in the context of this evaluation (PMID: 25041964, 28404607, 30847666, 32152366). ClinVar contains an entry for this variant (Variation ID: 178115). Based on the evidence outlined above, the variant was classified as likely benign.

Ambry Genetics
Classification: Uncertain significance for Cardiovascular phenotype. Last evaluated: 2025-03-24. Review status: criteria provided, single submitter. Criteria: Ambry Variant Classification Scheme 2023. Collection method: clinical testing. Allele origin: germline.
Comment: The p.R647C variant (also known as c.1939C>T), located in coding exon 19 of the RYR2 gene, results from a C to T substitution at nucleotide position 1939. The arginine at codon 647 is replaced by cysteine, an amino acid with highly dissimilar properties. This variant has been detected in an individual with unspecified arrhythmia, and in an exome sequencing cohort; however, clinical details were limited (Landstrom AP. Circ Arrhythm Electrophysiol. 2017 Apr;10(4). This alteration has also been reported in sudden unexplained death and stillbirth cohorts (Sahlin E et al. PLoS One, 2019 Jan;14:e0210017; Sch&ouml;n U et al. BMC Med Genomics, 2021 Mar;14:94). This amino acid position is well conserved in available vertebrate species. In addition, this alteration is predicted to be deleterious by in silico analysis. Since supporting evidence is limited at this time, the clinical significance of this alteration remains unclear.

Blueprint Genetics
Classification: Likely benign. Last evaluated: 2024-09-23. Review status: criteria provided, single submitter. Criteria: ACMG Guidelines, 2015. Collection method: clinical testing. Allele origin: germline.

Color Diagnostics, LLC DBA Color Health
Classification: Likely benign for Cardiomyopathy. Last evaluated: 2024-02-05. Review status: criteria provided, single submitter. Criteria: ACMG Guidelines, 2015. Collection method: clinical testing. Allele origin: germline.

Labcorp Genetics (formerly Invitae), Labcorp
Classification: Uncertain significance for Catecholaminergic polymorphic ventricular tachycardia 1. Last evaluated: 2024-01-28. Review status: criteria provided, single submitter. Criteria: Invitae Variant Classification Sherloc (09022015). Collection method: clinical testing. Allele origin: germline.
Comment: This sequence change replaces arginine, which is basic and polar, with cysteine, which is neutral and slightly polar, at codon 647 of the RYR2 protein (p.Arg647Cys). This variant is present in population databases (rs202040519, gnomAD 0.03%). This missense change has been observed in individual(s) with RYR2-related conditions (PMID: 30847666, 32152366). ClinVar contains an entry for this variant (Variation ID: 178115). Advanced modeling of protein sequence and biophysical properties (such as structural, functional, and spatial information, amino acid conservation, physicochemical variation, residue mobility, and thermodynamic stability) has been performed at Invitae for this missense variant, however the output from this modeling did not meet the statistical confidence thresholds required to predict the impact of this variant on RYR2 protein function. In summary, the available evidence is currently insufficient to determine the role of this variant in disease. Therefore, it has been classified as a Variant of Uncertain Significance.

Baylor Genetics
Classification: Uncertain significance for Ventricular arrhythmias due to cardiac ryanodine receptor calcium release deficiency syndrome. Last evaluated: 2022-10-10. Review status: criteria provided, single submitter. Criteria: ACMG Guidelines, 2015. Collection method: clinical testing. Allele origin: unknown.

Baylor Genetics
Classification: Uncertain significance for Catecholaminergic polymorphic ventricular tachycardia 1. Last evaluated: 2022-10-10. Review status: criteria provided, single submitter. Criteria: ACMG Guidelines, 2015. Collection method: clinical testing. Allele origin: unknown.

Baylor Genetics
Classification: Uncertain significance for Catecholaminergic polymorphic ventricular tachycardia 1. Last evaluated: 2022-10-10. Review status: criteria provided, single submitter. Criteria: ACMG Guidelines, 2015. Collection method: clinical testing. Allele origin: unknown.

Revvity Omics, Revvity
Classification: Uncertain significance. Last evaluated: 2022-03-02. Review status: criteria provided, single submitter. Criteria: ACMG Guidelines, 2015. Collection method: clinical testing. Allele origin: germline.

Fulgent Genetics
Classification: Uncertain significance for Ventricular arrhythmias due to cardiac ryanodine receptor calcium release deficiency syndrome; Catecholaminergic polymorphic ventricular tachycardia 1. Last evaluated: 2021-09-27. Review status: criteria provided, single submitter. Criteria: ACMG Guidelines, 2015. Collection method: clinical testing. Allele origin: unknown.

Victorian Clinical Genetics Services, Murdoch Childrens Research Institute
Classification: Uncertain significance for Catecholaminergic polymorphic ventricular tachycardia 1. Last evaluated: 2020-10-19. Review status: criteria provided, single submitter. Criteria: ACMG Guidelines, 2015. Collection method: clinical testing. Allele origin: germline. Inheritance: Autosomal dominant inheritance. Affected: yes.
Comment: Based on the classification scheme VCGS_Germline_v1.3.3, this variant is classified as VUS-3B. Following criteria are met: 0103 - Dominant negative and gain of function are known mechanisms of disease in this gene and are associated with arrhythmogenic right ventricular dysplasia 2 (MIM#600996) and ventricular tachycardia, catecholaminergic polymorphic, 1 (MIM#604772) (PMID: 12459180, PMID: 27646203, PMID: 29477366). (I) 0107 - This gene is associated with autosomal dominant disease. (I) 0112 - The condition associated with this gene has incomplete penetrance (OMIM). (I) 0200 - Variant is predicted to result in a missense amino acid change from arginine to cysteine. (I) 0251 - This variant is heterozygous. (I) 0302 - Variant is present in gnomAD (v2) <0.001 for a dominant condition (41 heterozygotes, 0 homozygotes). (SP) 0309 - An alternative amino acid change at the same position has been observed in gnomAD (v2) (4 heterozygotes, 0 homozygotes). (I) 0501 - Missense variant consistently predicted to be damaging by multiple in silico tools or highly conserved with a major amino acid change. (SP) 0600 - Variant is located in the annotated RIH domain (NCBI, PDB). (I) 0710 - Another missense variant comparable to the one identified in this case has inconclusive previous evidence for pathogenicity. This alternative change (p.Arg647His) has been reported multiple times as a VUS (ClinVar). (I) 0809 - Previous evidence of pathogenicity for this variant is inconclusive. This variant has been reported multiple times as a VUS (LOVD, ClinVar, PMID: 30615648, PMID: 28404607), once as likely benign (LOVD) and once as likely pathogenic in a patient from a large arrhythmia cohort (PMID: 30847666). (I) 0905 - No published segregation evidence has been identified for this variant. (I) 1007 - No published functional evidence has been identified for this variant. (I) 1208 - Inheritance information for this variant is not currently available in this individual. (I) Legend: (SP) - Supporting pathogenic, (I) - Information, (SB) - Supporting benign

Laboratory for Molecular Medicine, Mass General Brigham Personalized Medicine
Classification: Uncertain significance. Last evaluated: 2013-04-03. Review status: criteria provided, single submitter. Criteria: LMM Criteria. Collection method: clinical testing. Allele origin: germline. Observed: 1 variant allele.
Comment: The Arg647Cys variant in RYR2 has not been reported in the literature nor previo usly identified by our laboratory. This variant has been identified in 1/8366 Eu ropean American chromosomes and 1/3992 African American chromosomes from a broad population by the NHLBI Exome Sequencing Project (EVS/; dbSNP rs202040519). Computational analyses (biochemical amino acid propert ies, conservation, AlignGVGD, PolyPhen2, and SIFT) suggest that this variant may impact the protein, though this information is not predictive enough to determi ne pathogenicity. At this time, additional information is needed to fully assess the clinical significance of this variant.

Literature cited by the submitters: PubMed 25041964 (cited by Women's Health and Genetics/Laboratory Corporation of America, LabCorp); PubMed 28404607 (cited by 3 submitters); PubMed 30847666 (cited by 4 submitters); PubMed 32152366 (cited by Women's Health and Genetics/Laboratory Corporation of America, LabCorp and Labcorp Genetics (formerly Invitae), Labcorp); PubMed 30615648 (cited by Ambry Genetics and Victorian Clinical Genetics Services, Murdoch Childrens Research Institute); PubMed 33789662 (cited by Ambry Genetics); PubMed 12459180 (cited by Victorian Clinical Genetics Services, Murdoch Childrens Research Institute); PubMed 27646203 (cited by Victorian Clinical Genetics Services, Murdoch Childrens Research Institute); PubMed 29477366 (cited by Victorian Clinical Genetics Services, Murdoch Childrens Research Institute).

NM_001035.3(RYR2):c.1939C>T (p.Arg647Cys)

Gene: RYR2 (ryanodine receptor 2; plus strand). Cytogenetic location: 1q43.
Variant type: single nucleotide variant.
Coding change: c.1939C>T on transcript NM_001035.3 (MANE Select); coding-DNA position 1939, C replaced by T.
Protein change: p.Arg647Cys; replaces arginine 647 with cysteine.
Molecular consequence: missense variant.
Genome position (GRCh38, 1-based): chr1:237,493,065, C>T. VCF-style: chr1-237493065-C-T. GRCh37 (hg19) VCF-style: chr1-237656365-C-T.
Other names: short protein forms R647C.
Identifiers: ClinVar variation 178115 (VCV000178115.42), dbSNP rs202040519, ClinGen allele CA008643.